The following is an entry in ClinVar:

NM_015335.5(MED13L):c.2997-2A>G

Gene: MED13L (mediator complex subunit 13L; minus strand). Cytogenetic location: 12q24.21.
Variant type: single nucleotide variant.
Coding change: c.2997-2A>G on transcript NM_015335.5 (MANE Select); the canonical splice acceptor site of the intron before coding-DNA position 2997, A replaced by G.
Molecular consequence: splice acceptor variant.
Genome position (GRCh38, 1-based): chr12:115,991,959, T>C on the plus strand (A>G on the coding strand, the complement: MED13L is on the minus strand). VCF-style: chr12-115991959-T-C. GRCh37 (hg19) VCF-style: chr12-116429764-T-C.
Other names: c.2997-2A>G (NM_015335.4).
Identifiers: ClinVar variation 1341635 (VCV001341635.5), dbSNP rs1198136487, ClinGen allele CA386889192.

ClinVar aggregate classification (germline): Uncertain significance. Review status: criteria provided, multiple submitters, no conflicts (2 of 4 stars). 3 submissions from 3 submitters: Uncertain significance (3). Last evaluated 2025-05-20.

Conditions:
Inborn genetic diseases. Identifiers: MedGen C0950123, MeSH D030342.

Allele frequency attached by ClinVar (database versions not stated): TOPMed below 0.00001.

Submissions (3):

Ambry Genetics
Classification: Uncertain significance for Inborn genetic diseases. Last evaluated: 2025-05-20. Review status: criteria provided, single submitter. Criteria: Ambry Variant Classification Scheme 2023. Collection method: clinical testing. Allele origin: germline.
Comment: The c.2997-2A>G intronic variant results from an A to G substitution two nucleotides before coding exon 17 of the MED13L gene. Alterations that disrupt the canonical splice site are expected to result in aberrant splicing. The resulting transcript is predicted to be in-frame and is not expected to trigger nonsense-mediated mRNA decay, although direct evidence is unavailable. The MED13L c.2997-2A>G alteration was flagged as a low confidence call in the Genome Aggregation Database (gnomAD). This nucleotide position is highly conserved in available vertebrate species. In silico splice site analysis predicts that this alteration will weaken the native splice acceptor site and will result in the creation or strengthening of a novel splice acceptor site. Based on insufficient or conflicting evidence, the clinical significance of this alteration remains unclear.

Dasa
Classification: Uncertain significance. Last evaluated: 2025-02-04. Review status: criteria provided, single submitter. Criteria: DASA Assertion Criteria. Collection method: clinical testing. Allele origin: germline.
Comment: NM_015335.5(MED13L):c.2997-2A>G affects a canonical splice site and is predicted to disrupt normal RNA splicing. This variant is rare in population databases. The currently available literature and clinical evidence are not sufficient to establish a definitive association between this variant and the reported condition. Therefore, this variant is classified as a variant of uncertain significance.

GeneDx
Classification: Uncertain significance. Last evaluated: 2021-08-06. Review status: criteria provided, single submitter. Criteria: GeneDx Variant Classification Process June 2021. Collection method: clinical testing. Allele origin: germline. Affected: yes.
Comment: Canonical splice site variant predicted to result in a null allele in a gene for which loss-of-function is a known mechanism of disease; Has not been previously published as pathogenic or benign to our knowledge